The following is an entry in ClinVar:

NM_000153.4(GALC):c.1280A>G (p.Tyr427Cys)

Gene: GALC (galactosylceramidase; minus strand). Cytogenetic location: 14q31.3.
Variant type: single nucleotide variant.
Coding change: c.1280A>G on transcript NM_000153.4 (MANE Select); coding-DNA position 1280, A replaced by G.
Protein change: p.Tyr427Cys; replaces tyrosine 427 with cysteine.
Molecular consequence: missense variant.
Genome position (GRCh38, 1-based): chr14:87,949,903, T>C on the plus strand (A>G on the coding strand, the complement: GALC is on the minus strand). VCF-style: chr14-87949903-T-C. GRCh37 (hg19) VCF-style: chr14-88416247-T-C.
Other names: c.1211A>G, p.Tyr404Cys (NM_001201401.2); c.1202A>G, p.Tyr401Cys (NM_001201402.2); short protein forms Y401C, Y404C, Y427C.
Identifiers: ClinVar variation 1030626 (VCV001030626.4), dbSNP rs201591903, ClinGen allele CA7297066.

ClinVar aggregate classification (germline): Uncertain significance. Review status: criteria provided, multiple submitters, no conflicts (2 of 4 stars). 2 submissions from 2 submitters: Uncertain significance (2). Last evaluated 2025-01-15.

Conditions:
Galactosylceramide beta-galactosidase deficiency. Also called: GALACTOCEREBROSIDASE DEFICIENCY; GALC DEFICIENCY; GLOBOID CELL LEUKOENCEPHALOPATHY; Krabbe Disease; Leukodystrophy, Globoid Cell. Identifiers: Orphanet 487, MedGen C0023521, MONDO:0009499, OMIM 245200.

Allele frequency attached by ClinVar (database versions not stated): gnomAD 0.00001 and 0.00004; gnomAD exomes 0.00001 and 0.00005; TOPMed 0.00002; ExAC 0.00003; 1000 Genomes Project 0.00060; 1000 Genomes Project 30x 0.00062.
gnomAD v4.1: 25 of 1,591,050 alleles (0.0016%); highest among the groups gnomAD compares: East Asian, 0.034%; no homozygotes.

Submissions (2):

Labcorp Genetics (formerly Invitae), Labcorp
Classification: Uncertain significance for Galactosylceramide beta-galactosidase deficiency. Last evaluated: 2025-01-15. Review status: criteria provided, single submitter. Criteria: Invitae Variant Classification Sherloc (09022015). Collection method: clinical testing. Allele origin: germline.
Comment: This sequence change replaces tyrosine, which is neutral and polar, with cysteine, which is neutral and slightly polar, at codon 427 of the GALC protein (p.Tyr427Cys). This variant is present in population databases (rs201591903, gnomAD 0.06%). This variant has not been reported in the literature in individuals affected with GALC-related conditions. ClinVar contains an entry for this variant (Variation ID: 1030626). Invitae Evidence Modeling of protein sequence and biophysical properties (such as structural, functional, and spatial information, amino acid conservation, physicochemical variation, residue mobility, and thermodynamic stability) indicates that this missense variant is expected to disrupt GALC protein function with a positive predictive value of 95%. In summary, the available evidence is currently insufficient to determine the role of this variant in disease. Therefore, it has been classified as a Variant of Uncertain Significance.

Baylor Genetics
Classification: Uncertain significance for Galactosylceramide beta-galactosidase deficiency. Last evaluated: 2019-08-05. Review status: criteria provided, single submitter. Criteria: ACMG Guidelines, 2015. Collection method: clinical testing. Allele origin: unknown. Affected: yes.
Comment: This variant was determined to be of uncertain significance according to ACMG Guidelines, 2015 [PMID:25741868].